The following is an entry in ClinVar:

NM_001220.5(CAMK2B):c.1938C>T (p.Arg646=)

Gene: CAMK2B (calcium/calmodulin dependent protein kinase II beta; minus strand). Cytogenetic location: 7p13.
Variant type: single nucleotide variant.
Coding change: c.1938C>T on transcript NM_001220.5 (MANE Select); coding-DNA position 1938, C replaced by T.
Protein change: p.Arg646=; no amino-acid change (arginine 646 retained).
Molecular consequence: synonymous variant.
Genome position (GRCh38, 1-based): chr7:44,220,125, G>A on the plus strand (C>T on the coding strand, the complement: CAMK2B is on the minus strand). VCF-style: chr7-44220125-G-A. GRCh37 (hg19) VCF-style: chr7-44259724-G-A.
Other names: c.1566C>T, p.Arg522= (NM_001293170.2, NM_172078.3); c.1494C>T, p.Arg498= (NM_172079.3); c.1491C>T, p.Arg497= (NM_172080.3); c.1449C>T, p.Arg483= (NM_172081.3); c.1416C>T, p.Arg472= (NM_172082.3); c.1377C>T, p.Arg459= (NM_172083.3); c.1287C>T, p.Arg429= (NM_172084.3).
Identifiers: ClinVar variation 1562607 (VCV001562607.17), dbSNP rs761759252, ClinGen allele CA4240056.

ClinVar aggregate classification (germline): Likely benign. Review status: criteria provided, multiple submitters, no conflicts (2 of 4 stars). 3 submissions from 3 submitters: Likely benign (3). Last evaluated 2025-11-01.

Allele frequency attached by ClinVar (database versions not stated): ExAC 0.00001; TOPMed 0.00003; gnomAD 0.00004 and 0.00005; gnomAD exomes 0.00005 and 0.00006.
gnomAD v4.1: 90 of 1,611,816 alleles (0.0056%); highest among the groups gnomAD compares: South Asian, 0.026%; no homozygotes.

Submissions (3):

CeGaT Center for Human Genetics Tuebingen
Classification: Likely benign. Last evaluated: 2025-11-01. Review status: criteria provided, single submitter. Criteria: CeGaT Center For Human Genetics Tuebingen Variant Classification Criteria Version 2. Collection method: clinical testing. Allele origin: germline. Affected: yes. Observed: 2 variant alleles.
Comment: CAMK2B: BP4, BP7

Labcorp Genetics (formerly Invitae), Labcorp
Classification: Likely benign. Last evaluated: 2025-09-14. Review status: criteria provided, single submitter. Criteria: Invitae Variant Classification Sherloc (09022015). Collection method: clinical testing. Allele origin: germline.

Blueprint Genetics
Classification: Likely benign. Last evaluated: 2023-10-23. Review status: criteria provided, single submitter. Criteria: ACMG Guidelines, 2015. Collection method: clinical testing. Allele origin: germline.